The following is an entry in ClinVar:

NM_000238.4(KCNH2):c.2398G>T (p.Gly800Trp)

Gene: KCNH2 (potassium voltage-gated channel subfamily H member 2; minus strand). Cytogenetic location: 7q36.1.
Variant type: single nucleotide variant.
Coding change: c.2398G>T on transcript NM_000238.4 (MANE Select); coding-DNA position 2398, G replaced by T.
Protein change: p.Gly800Trp; replaces glycine 800 with tryptophan.
Molecular consequence: missense variant.
Genome position (GRCh38, 1-based): chr7:150,950,168, C>A on the plus strand (G>T on the coding strand, the complement: KCNH2 is on the minus strand). VCF-style: chr7-150950168-C-A. GRCh37 (hg19) VCF-style: chr7-150647256-C-A.
Other names: c.2398G>T (LRG_288t1); c.1378G>T, p.Gly460Cys (NM_001204798.2); c.2110G>T, p.Gly704Trp (NM_001406753.1); c.2221G>T, p.Gly741Cys (NM_001406755.1); c.2110G>T, p.Gly704Cys (NM_001406756.1); c.2098G>T, p.Gly700Cys (NM_001406757.1); c.2398G>T, p.Gly800Cys (NM_172056.3); c.1378G>T, p.Gly460Trp (NM_172057.3); short protein forms G460W, G800C, G800W, G460C, G704C, G741C, G700C, G704W.
Identifiers: ClinVar variation 67393 (VCV000067393.3), dbSNP rs199472998, ClinGen allele CA006681.

ClinVar aggregate classification (germline): not provided (0 of 4 stars; one submission).

Conditions:
Familial long QT syndrome (RWS). Also called: Congenital long QT syndrome; Romano-Ward syndrome; VENTRICULAR FIBRILLATION WITH PROLONGED QT INTERVAL. Identifiers: Orphanet 768, MedGen C1141890, MONDO:0019171.

Submission:

Cardiovascular Biomedical Research Unit, Royal Brompton & Harefield NHS Foundation Trust
No classification provided. Condition: Familial long QT syndrome. Review status: no classification provided. Collection method: literature only. Allele origin: germline.
Comment: This variant has been reported as associated with Long QT syndrome in the following publications (PMID:16414944). This is a literature report, and does not necessarily reflect the clinical interpretation of the Imperial College / Royal Brompton Cardiovascular Genetics laboratory.

Literature cited by the submitters: PubMed 16414944; PubMed 22581653.